The following is an entry in ClinVar:

ClinVar aggregate classification (germline): Uncertain significance. Review status: criteria provided, multiple submitters, no conflicts (2 of 4 stars). 4 submissions from 4 submitters: Uncertain significance (4). Last evaluated 2024-10-30.

Allele frequency attached by ClinVar (database versions not stated): gnomAD exomes 0.00001 and 0.00003; TOPMed 0.00001; ExAC 0.00002; ESP Exome Variant Server 0.00008.
gnomAD v4.1: 36 of 1,614,216 alleles (0.0022%); highest among the groups gnomAD compares: Non-Finnish European, 0.0031%; no homozygotes.

Submissions (4):

Women's Health and Genetics/Laboratory Corporation of America, LabCorp
Classification: Uncertain significance. Last evaluated: 2024-10-30. Review status: criteria provided, single submitter. Criteria: LabCorp Variant Classification Summary - May 2015. Collection method: clinical testing. Allele origin: germline.
Comment: Variant summary: SPTAN1 c.4558G>A (p.Gly1520Arg) results in a non-conservative amino acid change in the encoded protein sequence. Three of five in-silico tools predict a benign effect of the variant on protein function. The variant allele was found at a frequency of 8e-06 in 251226 control chromosomes. The available data on variant occurrences in the general population are insufficient to allow any conclusion about variant significance. To our knowledge, no occurrence of c.4558G>A in individuals affected with Epileptic Encephalopathy, Early Infantile, 5 and no experimental evidence demonstrating its impact on protein function have been reported. ClinVar contains an entry for this variant (Variation ID: 196942). Based on the evidence outlined above, the variant was classified as uncertain significance.

Blueprint Genetics
Classification: Uncertain significance. Last evaluated: 2024-02-29. Review status: criteria provided, single submitter. Criteria: ACMG Guidelines, 2015. Collection method: clinical testing. Allele origin: germline.

CeGaT Center for Human Genetics Tuebingen
Classification: Uncertain significance. Last evaluated: 2023-11-01. Review status: criteria provided, single submitter. Criteria: CeGaT Center For Human Genetics Tuebingen Variant Classification Criteria Version 2. Collection method: clinical testing. Allele origin: germline. Affected: yes. Observed: 1 variant allele.

Eurofins Ntd Llc (ga)
Classification: Uncertain significance. Last evaluated: 2015-01-12. Review status: criteria provided, single submitter. Criteria: EGL Classification Definitions 2015. Collection method: clinical testing. Allele origin: germline. Observed: 2 variant alleles, 2 heterozygotes.

NM_001130438.3(SPTAN1):c.4558G>A (p.Gly1520Arg)

Gene: SPTAN1 (spectrin alpha, non-erythrocytic 1; plus strand). Cytogenetic location: 9q34.11.
Variant type: single nucleotide variant.
Coding change: c.4558G>A on transcript NM_001130438.3 (MANE Select); coding-DNA position 4558, G replaced by A.
Protein change: p.Gly1520Arg; replaces glycine 1520 with arginine.
Molecular consequence: missense variant.
Genome position (GRCh38, 1-based): chr9:128,608,940, G>A. VCF-style: chr9-128608940-G-A. GRCh37 (hg19) VCF-style: chr9-131371219-G-A.
Other names: c.4498G>A, p.Gly1500Arg (NM_001195532.2, NM_001363765.2); c.4558G>A, p.Gly1520Arg (NM_001363759.2, NM_003127.4); short protein forms G1520R, G1500R.
Identifiers: ClinVar variation 196942 (VCV000196942.30), dbSNP rs374801331, ClinGen allele CA244767.